The following is an entry in ClinVar:

NM_003803.4(MYOM1):c.2617G>A (p.Ala873Thr)

Gene: MYOM1 (myomesin 1; minus strand). Cytogenetic location: 18p11.31.
Variant type: single nucleotide variant.
Coding change: c.2617G>A on transcript NM_003803.4 (MANE Select); coding-DNA position 2617, G replaced by A.
Protein change: p.Ala873Thr; replaces alanine 873 with threonine.
Molecular consequence: missense variant. On other transcripts: intron variant (1).
Genome position (GRCh38, 1-based): chr18:3,129,409, C>T on the plus strand (G>A on the coding strand, the complement: MYOM1 is on the minus strand). VCF-style: chr18-3129409-C-T. GRCh37 (hg19) VCF-style: chr18-3129407-C-T.
Other names: c.2506+1966G>A (NM_019856.2); short protein forms A873T.
Identifiers: ClinVar variation 644862 (VCV000644862.8), dbSNP rs1598703350, ClinGen allele CA401710144.

ClinVar aggregate classification (germline): Uncertain significance (1 of 4 stars; one submission).

Conditions:
Hypertrophic cardiomyopathy. Also called: HYPERTROPHIC MYOCARDIOPATHY. Identifiers: Orphanet 217569, MedGen C0007194, MeSH D002312, MONDO:0005045, HP:0001639.

Submission:

Labcorp Genetics (formerly Invitae), Labcorp
Classification: Uncertain significance for Hypertrophic cardiomyopathy. Last evaluated: 2018-07-25. Review status: criteria provided, single submitter. Criteria: Invitae Variant Classification Sherloc (09022015). Collection method: clinical testing. Allele origin: germline.
Comment: In summary, the available evidence is currently insufficient to determine the role of this variant in disease. Therefore, it has been classified as a Variant of Uncertain Significance. Algorithms developed to predict the effect of missense changes on protein structure and function (SIFT, PolyPhen-2, Align-GVGD) all suggest that this variant is likely to be tolerated, but these predictions have not been confirmed by published functional studies and their clinical significance is uncertain. This variant has not been reported in the literature in individuals with MYOM1-related disease. This variant is not present in population databases (ExAC no frequency). This sequence change replaces alanine with threonine at codon 873 of the MYOM1 protein (p.Ala873Thr). The alanine residue is weakly conserved and there is a small physicochemical difference between alanine and threonine.